The following is an entry in ClinVar:

ClinVar aggregate classification (germline): Benign/Likely benign. Review status: criteria provided, multiple submitters, no conflicts (2 of 4 stars). 3 submissions from 3 submitters: Benign (2); Likely benign (1). Last evaluated 2026-01-16.

Allele frequency attached by ClinVar (database versions not stated): gnomAD exomes 0.00015; gnomAD 0.00018; TOPMed 0.00021; ExAC 0.00043; 1000 Genomes Project 0.00160; 1000 Genomes Project 30x 0.00172.
gnomAD v4.1: 260 of 1,606,666 alleles (0.016%); highest among the groups gnomAD compares: East Asian, 0.41%; 1 homozygote.

Submissions (3):

Labcorp Genetics (formerly Invitae), Labcorp
Classification: Benign. Last evaluated: 2026-01-16. Review status: criteria provided, single submitter. Criteria: Invitae Variant Classification Sherloc (09022015). Collection method: clinical testing. Allele origin: germline.

Women's Health and Genetics/Laboratory Corporation of America, LabCorp
Classification: Benign. Last evaluated: 2024-12-16. Review status: criteria provided, single submitter. Criteria: LabCorp Variant Classification Summary - May 2015. Collection method: clinical testing. Allele origin: germline.
Comment: Variant summary: ABCC8 c.2921-19G>A alters a non-conserved nucleotide located at a position not widely known to affect splicing. Consensus agreement among computation tools predict no significant impact on normal splicing (TrAP). However, these predictions have yet to be confirmed by functional studies. The variant allele was found at a frequency of 0.00032 in 232524 control chromosomes in the gnomAD database, including 1 homozygotes. c.2921-19G>A has been reported in the literature in individuals affected with Familial Hyperinsulinism, without strong evidence of causality (Snider_2013). These report(s) do not provide unequivocal conclusions about association of the variant with Familial Hyperinsulinism. To our knowledge, no experimental evidence demonstrating an impact on protein function has been reported. ClinVar contains an entry for this variant (Variation ID: 2198880). Based on the evidence outlined above, the variant was classified as benign.

Blueprint Genetics
Classification: Likely benign. Last evaluated: 2024-11-27. Review status: criteria provided, single submitter. Criteria: ACMG Guidelines, 2015. Collection method: clinical testing. Allele origin: germline.

Literature cited by the submitters: PubMed 23275527 (cited by Women's Health and Genetics/Laboratory Corporation of America, LabCorp).

NM_000352.6(ABCC8):c.2921-19G>A

Gene: ABCC8 (ATP binding cassette subfamily C member 8; minus strand). Cytogenetic location: 11p15.1.
Variant type: single nucleotide variant.
Coding change: c.2921-19G>A on transcript NM_000352.6 (MANE Select); 19 bases into the intron before coding-DNA position 2921, G replaced by A.
Molecular consequence: intron variant. On other transcripts: non-coding transcript variant (1).
Genome position (GRCh38, 1-based): chr11:17,407,148, C>T on the plus strand (G>A on the coding strand, the complement: ABCC8 is on the minus strand). VCF-style: chr11-17407148-C-T. GRCh37 (hg19) VCF-style: chr11-17428695-C-T.
Other names: c.2918-19G>A (NM_001351297.2); c.2921-19G>A (NM_001351296.2); c.2987-19G>A (NM_001351295.2); c.2924-19G>A (NM_001287174.3).
Identifiers: ClinVar variation 2198880 (VCV002198880.6), dbSNP rs199827312, ClinGen allele CA5902973.